The following is an entry in ClinVar:

ClinVar aggregate classification (germline): Uncertain significance. Review status: criteria provided, multiple submitters, no conflicts (2 of 4 stars). 2 submissions from 2 submitters: Uncertain significance (2). Last evaluated 2021-08-28.

Conditions:
Very long chain acyl-CoA dehydrogenase deficiency (ACADVLD). Also called: Very Long-Chain Acyl-Coenzyme A Dehydrogenase Deficiency; VLCAD Deficiency. Identifiers: Orphanet 26793, MedGen C3887523, MONDO:0008723, OMIM 201475.

Submissions (2):

Labcorp Genetics (formerly Invitae), Labcorp
Classification: Uncertain significance for Very long chain acyl-CoA dehydrogenase deficiency. Last evaluated: 2021-08-28. Review status: criteria provided, single submitter. Criteria: Invitae Variant Classification Sherloc (09022015). Collection method: clinical testing. Allele origin: germline.
Comment: This sequence change replaces aspartic acid with histidine at codon 431 of the ACADVL protein (p.Asp431His). The aspartic acid residue is highly conserved and there is a moderate physicochemical difference between aspartic acid and histidine. This variant is not present in population databases (ExAC no frequency). This variant has not been reported in the literature in individuals affected with ACADVL-related conditions. Algorithms developed to predict the effect of missense changes on protein structure and function are either unavailable or do not agree on the potential impact of this missense change (SIFT: "Deleterious"; PolyPhen-2: "Probably Damaging"; Align-GVGD: "Class C0"). In summary, the available evidence is currently insufficient to determine the role of this variant in disease. Therefore, it has been classified as a Variant of Uncertain Significance.

Wong Mito Lab, Molecular and Human Genetics, Baylor College of Medicine
Classification: Uncertain significance for Very long chain acyl-CoA dehydrogenase deficiency. Last evaluated: 2019-11-01. Review status: criteria provided, single submitter. Criteria: ACMG Guidelines, 2015. Collection method: clinical testing. Allele origin: germline.
Comment: The NM_000018.3:c.1291G>C (NP_000009.1:p.Asp431His) [GRCH38: NC_000017.11:g.7223834G>C] variant in ACADVL gene is interpretated to be Uncertain Significance based on ACMG guidelines (PMID: 25741868). This variant has been reported. This variant meets the following evidence codes reported in the ACMG guidelines: PP3

NM_000018.4(ACADVL):c.1291G>C (p.Asp431His)

Gene: ACADVL (acyl-CoA dehydrogenase very long chain; plus strand). Cytogenetic location: 17p13.1.
Variant type: single nucleotide variant.
Coding change: c.1291G>C on transcript NM_000018.4 (MANE Select); coding-DNA position 1291, G replaced by C.
Protein change: p.Asp431His; replaces aspartic acid 431 with histidine.
Molecular consequence: missense variant.
Genome position (GRCh38, 1-based): chr17:7,223,834, G>C. VCF-style: chr17-7223834-G-C. GRCh37 (hg19) VCF-style: chr17-7127153-G-C.
Other names: c.1225G>C, p.Asp409His (NM_001033859.3); c.1360G>C, p.Asp454His (NM_001270447.2); c.1063G>C, p.Asp355His (NM_001270448.2); short protein forms D431H, D355H, D409H, D454H.
Identifiers: ClinVar variation 574848 (VCV000574848.8), dbSNP rs781658827, ClinGen allele CA397724790.